The following is an entry in ClinVar:

NM_001283009.2(RTEL1):c.2518C>T (p.His840Tyr)

Genes: RTEL1 (regulator of telomere elongation helicase 1; plus strand), RTEL1-TNFRSF6B (RTEL1-TNFRSF6B readthrough (NMD candidate); plus strand). Cytogenetic location: 20q13.33.
Variant type: single nucleotide variant.
Coding change: c.2518C>T on transcript NM_001283009.2 (MANE Select); coding-DNA position 2518, C replaced by T.
Protein change: p.His840Tyr; replaces histidine 840 with tyrosine.
Molecular consequence: missense variant. On other transcripts: non-coding transcript variant (1).
Genome position (GRCh38, 1-based): chr20:63,690,909, C>T. VCF-style: chr20-63690909-C-T. GRCh37 (hg19) VCF-style: chr20-62322262-C-T.
Other names: c.1849C>T, p.His617Tyr (NM_001283010.1); c.2518C>T, p.His840Tyr (NM_016434.4); c.2590C>T, p.His864Tyr (NM_032957.5); short protein forms H617Y, H864Y, H840Y.
Identifiers: ClinVar variation 4785172 (VCV004785172.2).

ClinVar aggregate classification (germline): Uncertain significance. Review status: criteria provided, multiple submitters, no conflicts (2 of 4 stars). 2 submissions from 2 submitters: Uncertain significance (2). Last evaluated 2026-03-06.

Conditions:
Inborn genetic diseases. Identifiers: MedGen C0950123, MeSH D030342.
Dyskeratosis congenita, autosomal recessive 5 (DKCB5). Identifiers: MedGen C3554656, MONDO:0014076, OMIM 615190.
Pulmonary fibrosis and/or bone marrow failure, Telomere-related, 3. Also called: PULMONARY FIBROSIS AND/OR BONE MARROW FAILURE SYNDROME, TELOMERE-RELATED, 3. Identifiers: Orphanet 2032, MedGen C4225346, MONDO:0014613, OMIM 616373.

Submissions (2):

Ambry Genetics
Classification: Uncertain significance for Inborn genetic diseases. Last evaluated: 2026-03-06. Review status: criteria provided, single submitter. Criteria: Ambry Variant Classification Scheme 2023. Collection method: clinical testing. Allele origin: germline.
Comment: The p.H840Y variant (also known as c.2518C>T), located in coding exon 26 of the RTEL1 gene, results from a C to T substitution at nucleotide position 2518. The histidine at codon 840 is replaced by tyrosine, an amino acid with similar properties. This amino acid position is conserved. In addition, this alteration is predicted to be tolerated by in silico analysis. Based on the available evidence, the clinical significance of this variant remains unclear.

Labcorp Genetics (formerly Invitae), Labcorp
Classification: Uncertain significance for Dyskeratosis congenita, autosomal recessive 5; Pulmonary fibrosis and/or bone marrow failure, Telomere-related, 3. Last evaluated: 2025-06-08. Review status: criteria provided, single submitter. Criteria: Invitae Variant Classification Sherloc (09022015). Collection method: clinical testing. Allele origin: germline.
Comment: This sequence change replaces histidine, which is basic and polar, with tyrosine, which is neutral and polar, at codon 840 of the RTEL1 protein (p.His840Tyr). This variant is not present in population databases (gnomAD no frequency). This variant has not been reported in the literature in individuals affected with RTEL1-related conditions. An algorithm developed to predict the effect of missense changes on protein structure and function outputs the following: PolyPhen-2: "Benign". The tyrosine amino acid residue is found in multiple mammalian species, which suggests that this missense change does not adversely affect protein function. In summary, the available evidence is currently insufficient to determine the role of this variant in disease. Therefore, it has been classified as a Variant of Uncertain Significance.